The following is an entry in ClinVar:

ClinVar aggregate classification (germline): Pathogenic (1 of 4 stars; one submission).

Conditions:
Hereditary cancer-predisposing syndrome. Also called: Neoplastic Syndromes, Hereditary; Hereditary Cancer Syndrome; Tumor predisposition; Hereditary neoplastic syndrome. Identifiers: Orphanet 140162, MedGen C0027672, MeSH D009386, MONDO:0015356.

Submission:

Ambry Genetics
Classification: Pathogenic for Hereditary cancer-predisposing syndrome. Last evaluated: 2025-01-21. Review status: criteria provided, single submitter. Criteria: Ambry Variant Classification Scheme 2023. Collection method: clinical testing. Allele origin: germline.
Comment: The c.18delCinsAA pathogenic mutation, located in coding exon 1 of the SDHA gene, results from the deletion of one nucleotide and insertion of two nucleotides causing a translational frameshift with a predicted alternate stop codon (p.L7Tfs*32). This variant is considered to be rare based on population cohorts in the Genome Aggregation Database (gnomAD). This alteration is expected to result in loss of function by premature protein truncation or nonsense-mediated mRNA decay. As such, this alteration is interpreted as a disease-causing mutation.

NM_004168.4(SDHA):c.18delinsAA (p.Leu7fs)

Gene: SDHA (succinate dehydrogenase complex flavoprotein subunit A; plus strand). Cytogenetic location: 5p15.33.
Variant type: Indel.
Coding change: c.18delinsAA on transcript NM_004168.4 (MANE Select); coding-DNA position 18, C replaced by AA.
Protein change: p.Leu7fs; shifts the reading frame from leucine 7.
Molecular consequence: frameshift variant.
Genome position (GRCh38, 1-based): chr5:218,373, C replaced by AA. VCF-style: chr5-218373-C-AA. GRCh37 (hg19) VCF-style: chr5-218488-C-AA.
Other names: c.18delinsAA, p.Leu7fs (NM_001294332.2, NM_001330758.2); short protein forms L7fs.
Identifiers: ClinVar variation 3793544 (VCV003793544.1).